The following continues an entry in ClinVar:

NM_007194.4(CHEK2):c.1427C>T (p.Thr476Met)

Gene: CHEK2. ClinVar aggregate classification (germline): Conflicting classifications of pathogenicity. Pathogenic (1); Likely pathogenic (18); Established risk allele (2); Likely risk allele (1); Uncertain significance (26).

Literature cited by the submitters, continued: PubMed 29520813 (cited by 5 submitters); PubMed 31050813 (cited by 7 submitters); PubMed 33471991 (cited by 7 submitters); PubMed 37449874 (cited by 6 submitters); PubMed 39146382 (cited by Hema, HEMA – Genetic and Molecular Diagnostic Laboratory and Center for Genomic Medicine, Rigshospitalet, Copenhagen University Hospital); PubMed 24595525 (cited by 6 submitters); PubMed 36136322 (cited by 4 submitters); PubMed 25186627 (cited by Color Diagnostics, LLC DBA Color Health and Counsyl); PubMed 32658311 (cited by Color Diagnostics, LLC DBA Color Health and Quest Diagnostics Nichols Institute San Juan Capistrano); PubMed 32805687 (cited by Color Diagnostics, LLC DBA Color Health and Quest Diagnostics Nichols Institute San Juan Capistrano); PubMed 32906215 (cited by Color Diagnostics, LLC DBA Color Health and Quest Diagnostics Nichols Institute San Juan Capistrano); PubMed 33030641 (cited by Color Diagnostics, LLC DBA Color Health and Quest Diagnostics Nichols Institute San Juan Capistrano); PubMed 36315097 (cited by Color Diagnostics, LLC DBA Color Health); PubMed 37628581 (cited by Color Diagnostics, LLC DBA Color Health and Quest Diagnostics Nichols Institute San Juan Capistrano); PubMed 28888541 (cited by Mayo Clinic Laboratories, Mayo Clinic); PubMed 30303537 (cited by 3 submitters); PubMed 31447099 (cited by Quest Diagnostics Nichols Institute San Juan Capistrano); PubMed 31948886 (cited by Quest Diagnostics Nichols Institute San Juan Capistrano); PubMed 32830346 (cited by Quest Diagnostics Nichols Institute San Juan Capistrano and Sema4); PubMed 33193653 (cited by Quest Diagnostics Nichols Institute San Juan Capistrano); PubMed 23552953 (cited by 3 submitters); PubMed 30287823 (cited by Quest Diagnostics Nichols Institute San Juan Capistrano); PubMed 27779110 (cited by Quest Diagnostics Nichols Institute San Juan Capistrano); PubMed 30322717 (cited by Quest Diagnostics Nichols Institute San Juan Capistrano and Sema4); PubMed 32227564 (cited by Quest Diagnostics Nichols Institute San Juan Capistrano); PubMed 30613976 (cited by Quest Diagnostics Nichols Institute San Juan Capistrano); PubMed 34637943 (cited by Quest Diagnostics Nichols Institute San Juan Capistrano); PubMed 34271781 (cited by Quest Diagnostics Nichols Institute San Juan Capistrano); PubMed 35128723 (cited by Quest Diagnostics Nichols Institute San Juan Capistrano); PubMed 32885271 (cited by Quest Diagnostics Nichols Institute San Juan Capistrano); PubMed 32881420 (cited by Quest Diagnostics Nichols Institute San Juan Capistrano); PubMed 34072659 (cited by Quest Diagnostics Nichols Institute San Juan Capistrano); PubMed 30269267 (cited by Quest Diagnostics Nichols Institute San Juan Capistrano); PubMed 31159747 (cited by Quest Diagnostics Nichols Institute San Juan Capistrano); PubMed 35245693 (cited by Quest Diagnostics Nichols Institute San Juan Capistrano); PubMed 37490054 (cited by Quest Diagnostics Nichols Institute San Juan Capistrano); PubMed 35451682 (cited by Quest Diagnostics Nichols Institute San Juan Capistrano); PubMed 35866394 (cited by Quest Diagnostics Nichols Institute San Juan Capistrano); PubMed 35264596 (cited by Quest Diagnostics Nichols Institute San Juan Capistrano); PubMed 38075165 (cited by Quest Diagnostics Nichols Institute San Juan Capistrano); PubMed 37065479 (cited by Quest Diagnostics Nichols Institute San Juan Capistrano); PubMed 37932350 (cited by Quest Diagnostics Nichols Institute San Juan Capistrano); PubMed 35174967 (cited by Quest Diagnostics Nichols Institute San Juan Capistrano); PubMed 35132179 (cited by Quest Diagnostics Nichols Institute San Juan Capistrano); PubMed 37842866 (cited by Quest Diagnostics Nichols Institute San Juan Capistrano); PubMed 36856935 (cited by Quest Diagnostics Nichols Institute San Juan Capistrano); PubMed 39541563 (cited by Quest Diagnostics Nichols Institute San Juan Capistrano); PubMed 25085752 (cited by Myriad Genetics, Inc.).